The following is an entry in ClinVar:

ClinVar aggregate classification (germline): Conflicting classifications of pathogenicity. Review status: criteria provided, conflicting classifications (1 of 4 stars). 3 submissions from 3 submitters: Uncertain significance (2); Likely benign (1). Last evaluated 2024-03-08.

Conditions:
Hereditary breast ovarian cancer syndrome. Also called: Hereditary breast and ovarian cancer syndrome (HBOC); Hereditary breast and ovarian cancer syndrome; Breast and ovarian cancer; Hereditary breast and ovarian cancer; Hereditary breast and/or ovarian cancer syndrome; BRCA1- and BRCA2-Associated Hereditary Breast and Ovarian Cancer. Identifiers: Orphanet 145, MedGen C0677776, MeSH D061325, MONDO:0003582. Disease mechanism: loss of function.
Hereditary cancer-predisposing syndrome. Also called: Neoplastic Syndromes, Hereditary; Tumor predisposition; Hereditary neoplastic syndrome; Hereditary Cancer Syndrome. Identifiers: Orphanet 140162, MedGen C0027672, MeSH D009386, MONDO:0015356.

Submissions (3):

GeneDx
Classification: Uncertain significance. Last evaluated: 2024-03-08. Review status: criteria provided, single submitter. Criteria: GeneDx Variant Classification Process June 2021. Collection method: clinical testing. Allele origin: germline. Affected: yes.
Comment: Not observed at significant frequency in large population cohorts (gnomAD); In silico analysis supports that this missense variant does not alter protein structure/function; Has not been previously published as pathogenic or benign to our knowledge; Also known as 6452A>G; This variant is associated with the following publications: (PMID: 9002670, 22193408)

University of Washington Department of Laboratory Medicine, University of Washington
Classification: Likely benign for Hereditary cancer-predisposing syndrome. Last evaluated: 2023-03-23. Review status: criteria provided, single submitter. Criteria: Dines et al. (Genet Med. 2020). Collection method: curation. Allele origin: germline.
Comment: Missense variant in a coldspot region where missense variants are very unlikely to be pathogenic (PMID:31911673).

BRCA2 exon 11 coldspot. Reclassification based on statistical prior probability.

Labcorp Genetics (formerly Invitae), Labcorp
Classification: Uncertain significance for Hereditary breast ovarian cancer syndrome. Last evaluated: 2018-07-31. Review status: criteria provided, single submitter. Criteria: Invitae Variant Classification Sherloc (09022015). Collection method: clinical testing. Allele origin: germline.
Comment: In summary, the available evidence is currently insufficient to determine the role of this variant in disease. Therefore, it has been classified as a Variant of Uncertain Significance. Algorithms developed to predict the effect of sequence changes on RNA splicing suggest that this variant may create or strengthen a splice site, but this prediction has not been confirmed by published transcriptional studies. Algorithms developed to predict the effect of missense changes on protein structure and function are either unavailable or do not agree on the potential impact of this missense change (SIFT: "Tolerated"; PolyPhen-2: "Probably Damaging"; Align-GVGD: "Class C0"). This variant has not been reported in the literature in individuals with BRCA2-related disease. This variant is not present in population databases (ExAC no frequency). This sequence change replaces lysine with arginine at codon 2075 of the BRCA2 protein (p.Lys2075Arg). The lysine residue is highly conserved and there is a small physicochemical difference between lysine and arginine.

NM_000059.4(BRCA2):c.6224A>G (p.Lys2075Arg)

Gene: BRCA2 (BRCA2 DNA repair associated; plus strand). Cytogenetic location: 13q13.1.
Variant type: single nucleotide variant.
Coding change: c.6224A>G on transcript NM_000059.4 (MANE Select); coding-DNA position 6224, A replaced by G.
Protein change: p.Lys2075Arg; replaces lysine 2075 with arginine.
Molecular consequence: missense variant.
Genome position (GRCh38, 1-based): chr13:32,340,579, A>G. VCF-style: chr13-32340579-A-G. GRCh37 (hg19) VCF-style: chr13-32914716-A-G.
Other names: short protein forms K2075R.
Identifiers: ClinVar variation 662727 (VCV000662727.11), dbSNP rs1593907916, ClinGen allele CA387788879.